The following is an entry in ClinVar:

NM_000059.4(BRCA2):c.524dup (p.Thr176fs)

Gene: BRCA2 (BRCA2 DNA repair associated; plus strand). Cytogenetic location: 13q13.1.
Variant type: Duplication.
Coding change: c.524dup on transcript NM_000059.4 (MANE Select); coding-DNA position 524, one base duplicated (A; older notation c.524dupA).
Protein change: p.Thr176fs; shifts the reading frame from threonine 176.
Molecular consequence: frameshift variant. On other transcripts: non-coding transcript variant (1).
Genome position (GRCh38, 1-based): chr13:32,326,506, A duplicated. VCF-style (leftmost placement, unchanged base first): chr13-32326505-C-CA. GRCh37 (hg19) VCF-style: chr13-32900642-C-CA.
Other names: c.524dupA (NM_000059.3); c.524dup, p.Thr176fs (NM_001406719.1, NM_001406720.1, NM_001406721.1 and 1 more transcripts); c.155dup, p.Thr53fs (NM_001406722.1); short protein forms T53fs, T176fs.
Identifiers: ClinVar variation 3992821 (VCV003992821.1).

ClinVar aggregate classification (germline): Pathogenic (1 of 4 stars; one submission).

Conditions:
Hereditary cancer-predisposing syndrome. Also called: Tumor predisposition; Hereditary neoplastic syndrome; Neoplastic Syndromes, Hereditary; Hereditary Cancer Syndrome. Identifiers: Orphanet 140162, MedGen C0027672, MeSH D009386, MONDO:0015356.

Submission:

Ambry Genetics
Classification: Pathogenic for Hereditary cancer-predisposing syndrome. Last evaluated: 2025-05-22. Review status: criteria provided, single submitter. Criteria: Ambry Variant Classification Scheme 2023. Collection method: clinical testing. Allele origin: germline.
Comment: The c.524dupA pathogenic mutation, located in coding exon 6 of the BRCA2 gene, results from a duplication of A at nucleotide position 524, causing a translational frameshift with a predicted alternate stop codon (p.T176Dfs*7). This variant is considered to be rare based on population cohorts in the Genome Aggregation Database (gnomAD). This alteration is expected to result in loss of function by premature protein truncation or nonsense-mediated mRNA decay. As such, this alteration is interpreted as a disease-causing mutation.